The following is an entry in ClinVar:

NM_001042492.3(NF1):c.4769T>G (p.Leu1590Ter)

Gene: NF1 (neurofibromin 1; plus strand). Cytogenetic location: 17q11.2.
Variant type: single nucleotide variant.
Coding change: c.4769T>G on transcript NM_001042492.3 (MANE Select); coding-DNA position 4769, T replaced by G.
Protein change: p.Leu1590Ter; replaces leucine 1590 with a stop codon.
Molecular consequence: nonsense.
Genome position (GRCh38, 1-based): chr17:31,265,273, T>G. VCF-style: chr17-31265273-T-G. GRCh37 (hg19) VCF-style: chr17-29592291-T-G.
Other names: c.4706T>G, p.Leu1569Ter (NM_000267.4); short protein forms L1590*, L1569*.
Identifiers: ClinVar variation 1458792 (VCV001458792.9), dbSNP rs2067765689, ClinGen allele CA399001249.

ClinVar aggregate classification (germline): Pathogenic. Review status: criteria provided, multiple submitters, no conflicts (2 of 4 stars). 2 submissions from 2 submitters: Pathogenic (2). Last evaluated 2026-01-05.

Conditions:
Neurofibromatosis, type 1 (NF1). Also called: Neurofibromatosis, type I; VON RECKLINGHAUSEN DISEASE; NEUROFIBROMATOSIS, TYPE I, SOMATIC; Peripheral type neurofibromatosis. Identifiers: Orphanet 636, MedGen C0027831, MONDO:0018975, OMIM 162200. Disease mechanism: loss of function.

Submissions (2):

Labcorp Genetics (formerly Invitae), Labcorp
Classification: Pathogenic for Neurofibromatosis, type 1. Last evaluated: 2026-01-05. Review status: criteria provided, single submitter. Criteria: Invitae Variant Classification Sherloc (09022015). Collection method: clinical testing. Allele origin: germline.
Comment: This sequence change creates a premature translational stop signal (p.Leu1569*) in the NF1 gene. It is expected to result in an absent or disrupted protein product. Loss-of-function variants in NF1 are known to be pathogenic (PMID: 10712197, 23913538). This variant is not present in population databases (gnomAD no frequency). This premature translational stop signal has been observed in individual(s) with neurofibromatosis type 1 (PMID: 9298829, 25325900). This variant is also known as c.4769T>G (p.Leu1590*). ClinVar contains an entry for this variant (Variation ID: 1458792). For these reasons, this variant has been classified as Pathogenic.

Laboratory of Genetics, Children's Clinical University Hospital Latvia
Classification: Pathogenic. Last evaluated: 2025-02-16. Review status: criteria provided, single submitter. Criteria: ACMG Guidelines, 2015. Collection method: clinical testing. Allele origin: germline. Affected: yes.

Literature cited by the submitters: PubMed 10712197 (cited by Labcorp Genetics (formerly Invitae), Labcorp); PubMed 23913538 (cited by Labcorp Genetics (formerly Invitae), Labcorp); PubMed 9298829 (cited by Labcorp Genetics (formerly Invitae), Labcorp); PubMed 25325900 (cited by Labcorp Genetics (formerly Invitae), Labcorp).